The following is an entry in ClinVar:

ClinVar aggregate classification (germline): Uncertain significance. Review status: criteria provided, multiple submitters, no conflicts (2 of 4 stars). 6 submissions from 6 submitters: Uncertain significance (5). 1 of the submissions does not count toward it. Last evaluated 2025-11-04.

Conditions:
Hereditary cancer-predisposing syndrome. Also called: Neoplastic Syndromes, Hereditary; Tumor predisposition; Hereditary Cancer Syndrome; Hereditary neoplastic syndrome. Identifiers: Orphanet 140162, MedGen C0027672, MeSH D009386, MONDO:0015356.
Familial cancer of breast. Also called: BREAST CANCER, FAMILIAL; hereditary breast carcinoma; Hereditary breast cancer. Identifiers: Orphanet 227535, MedGen C0346153, MONDO:0016419, OMIM 114480. Disease mechanism: loss of function.

Allele frequency attached by ClinVar (database versions not stated): gnomAD exomes below 0.00001; TOPMed below 0.00001; gnomAD 0.00001; ExAC 0.00003.
gnomAD v4.1: 5 of 1,533,270 alleles (0.00033%); highest among the groups gnomAD compares: Non-Finnish European, 0.00045%; no homozygotes.

Submissions (6):

Color Diagnostics, LLC DBA Color Health
Classification: Uncertain significance for Hereditary cancer-predisposing syndrome. Last evaluated: 2025-11-04. Review status: criteria provided, single submitter. Criteria: ACMG Guidelines, 2015. Collection method: clinical testing. Allele origin: germline.
Comment: This missense variant replaces aspartic acid with glutamic acid at codon 296 of the CHEK2 protein. Computational prediction suggests that this variant may not impact protein structure and function. To our knowledge, functional studies have not been reported for this variant. This variant has been reported in an individual affected with breast cancer (PMID: 35264596). This variant has been identified in 5/1533270 chromosomes in the general population by the Genome Aggregation Database (gnomAD). The available evidence is insufficient to determine the role of this variant in disease conclusively. Therefore, this variant is classified as a Variant of Uncertain Significance.

Labcorp Genetics (formerly Invitae), Labcorp
Classification: Uncertain significance for Familial cancer of breast. Last evaluated: 2025-10-09. Review status: criteria provided, single submitter. Criteria: Invitae Variant Classification Sherloc (09022015). Collection method: clinical testing. Allele origin: germline.
Comment: This sequence change replaces aspartic acid, which is acidic and polar, with glutamic acid, which is acidic and polar, at codon 296 of the CHEK2 protein (p.Asp296Glu). This variant is present in population databases (no rsID available, gnomAD 0.001%). This missense change has been observed in individual(s) with breast cancer (PMID: 35264596). ClinVar contains an entry for this variant (Variation ID: 233937). An algorithm developed to predict the effect of missense changes on protein structure and function (PolyPhen-2) suggests that this variant is likely to be tolerated. Experimental studies have shown that this missense change does not substantially affect CHEK2 function (PMID: 37449874). In summary, the available evidence is currently insufficient to determine the role of this variant in disease. Therefore, it has been classified as a Variant of Uncertain Significance.

Ambry Genetics
Classification: Uncertain significance for Hereditary cancer-predisposing syndrome. Last evaluated: 2025-07-15. Review status: criteria provided, single submitter. Criteria: Ambry Variant Classification Scheme 2023. Collection method: clinical testing. Allele origin: germline.
Comment: The p.D296E variant (also known as c.888T>G), located in coding exon 7 of the CHEK2 gene, results from a T to G substitution at nucleotide position 888. The aspartic acid at codon 296 is replaced by glutamic acid, an amino acid with highly similar properties. This alteration was detected in a cohort of 1663 Brazilian breast cancer patients who underwent hereditary multigene panel testing (Guindalini RSC et al. Sci Rep, 2022 Mar;12:4190). This amino acid position is highly conserved in available vertebrate species. In addition, the in silico prediction for this alteration is inconclusive. Based on the available evidence, the clinical significance of this variant remains unclear.

GeneDx
Classification: Uncertain significance. Last evaluated: 2020-06-12. Review status: criteria provided, single submitter. Criteria: GeneDx Variant Classification Process June 2021. Collection method: clinical testing. Allele origin: germline. Affected: yes.
Comment: Not observed at a significant frequency in large population cohorts (Lek 2016); In silico analysis supports that this missense variant does not alter protein structure/function; Has not been previously published as pathogenic or benign to our knowledge

Mendelics
Classification: Uncertain significance for Familial cancer of breast. Last evaluated: 2018-07-02. Review status: criteria provided, single submitter. Criteria: Mendelics Assertion Criteria 2017. Collection method: clinical testing. Allele origin: unknown.

Genetic Services Laboratory, University of Chicago
Classification: Uncertain significance. Last evaluated: 2022-09-02. Review status: no assertion criteria provided. Collection method: clinical testing. Allele origin: germline. Affected: no. Not counted in ClinVar's aggregate classification.
Comment: DNA sequence analysis of the CHEK2 gene demonstrated a sequence change, c.888T>G, in exon 8 that results in an amino acid change, p.Asp296Glu. This sequence change does not appear to have been previously described in individuals with CHEK2-related disorders. This sequence change has been described in the gnomAD database in one individual which corresponds to a population frequency of 0.0005% (dbSNP rs876660742). The p.Asp296Glu change affects a highly conserved amino acid residue located in a domain of the CHEK2 protein that is known to be functional. The p.Asp296Glu substitution appears to be benign using several in-silico pathogenicity prediction tools (SIFT, PolyPhen2, Align GVGD, REVEL). Due to insufficient evidences and the lack of functional studies, the clinical significance of the p.Asp296Glu change remains unknown at this time.

Literature cited by the submitters: PubMed 35264596 (cited by 3 submitters); PubMed 37449874 (cited by Labcorp Genetics (formerly Invitae), Labcorp).

NM_007194.4(CHEK2):c.888T>G (p.Asp296Glu)

Gene: CHEK2 (checkpoint kinase 2; minus strand). Cytogenetic location: 22q12.1.
Variant type: single nucleotide variant.
Coding change: c.888T>G on transcript NM_007194.4 (MANE Select); coding-DNA position 888, T replaced by G.
Protein change: p.Asp296Glu; replaces aspartic acid 296 with glutamic acid.
Molecular consequence: missense variant.
Genome position (GRCh38, 1-based): chr22:28,703,525, A>C on the plus strand (T>G on the coding strand, the complement: CHEK2 is on the minus strand). VCF-style: chr22-28703525-A-C. GRCh37 (hg19) VCF-style: chr22-29099513-A-C.
Other names: c.1017T>G, p.Asp339Glu (NM_001005735.3); c.225T>G, p.Asp75Glu (NM_001257387.3); c.687T>G, p.Asp229Glu (NM_001349956.3); c.888T>G, p.Asp296Glu (NM_145862.3); short protein forms D296E, D339E, D229E, D75E.
Identifiers: ClinVar variation 233937 (VCV000233937.27), dbSNP rs876660742, ClinGen allele CA10167790.
Genomic context (GRCh38, chr22:28,703,525, plus strand): 5'-TTGAATGGAAACAGAAATTTTTAAAAAGTTTACTACTTACAATTCCAAAACAATATAATA[A>C]TCTTCTGCATCAAAAAAGTTTTTAATCTTGATGATGCAAGGCTAAGAAGAGGGGGAGAAA-3'
Protein context (NP_009125.1, residues 286-306): IKIKNFFDAE[Asp296Glu]YYIVLELMEG